The following is an entry in ClinVar:

ClinVar aggregate classification (germline): Conflicting classifications of pathogenicity. Review status: criteria provided, conflicting classifications (1 of 4 stars). 4 submissions from 4 submitters: Uncertain significance (3); Likely benign (1). Last evaluated 2026-03-27.

Conditions:
Autosomal recessive limb-girdle muscular dystrophy type 2J (LGMDR10). Also called: Limb-girdle muscular dystrophy, type 2J; MUSCULAR DYSTROPHY, LIMB-GIRDLE, AUTOSOMAL RECESSIVE 10. Identifiers: Orphanet 140922, MedGen C1837342, MONDO:0012127, OMIM 608807.
Cardiomyopathy (CMYO). Also called: Cardiomyopathies. Identifiers: Orphanet 167848, MedGen C0878544, MONDO:0004994, HP:0001638. Inheritance: Various modes of inheritance.

Allele frequency attached by ClinVar (database versions not stated): TOPMed 0.00001; gnomAD exomes 0.00002 and 0.00001; ExAC 0.00002; gnomAD 0.00004 and 0.00003.

Submissions (4):

Molecular Diagnostic Laboratory for Inherited Cardiovascular Disease, Montreal Heart Institute
Classification: Likely benign. Last evaluated: 2026-03-27. Review status: criteria provided, single submitter. Criteria: ACMG Guidelines, 2015. Collection method: clinical testing. Allele origin: germline. Affected: no.
Comment: BP1;BP4

Women's Health and Genetics/Laboratory Corporation of America, LabCorp
Classification: Uncertain significance. Last evaluated: 2023-06-12. Review status: criteria provided, single submitter. Criteria: LabCorp Variant Classification Summary - May 2015. Collection method: clinical testing. Allele origin: germline.
Comment: Variant summary: TTN c.20464G>A (p.Asp6822Asn) results in a conservative amino acid change located in the I-band region of the encoded protein sequence. Three of five in-silico tools predict a benign effect of the variant on protein function. The variant allele was found at a frequency of 1.2e-05 in 247384 control chromosomes (gnomAD). The available data on variant occurrences in the general population are insufficient to allow any conclusion about variant significance. To our knowledge, no occurrence of c.20464G>A in individuals affected with Dilated Cardiomyopathy and no experimental evidence demonstrating its impact on protein function have been reported. Co-occurrence with a pathogenic variant has been reported in our lab (TTR c.424G>A, p.Val142Ile, Internal Testing), providing supporting evidence for a benign role. Two ClinVar submitters have assessed the variant since 2014: both classified the variant as uncertain significance. Based on the evidence outlined above, the variant was classified as uncertain significance.

CHEO Genetics Diagnostic Laboratory, Children's Hospital of Eastern Ontario
Classification: Uncertain significance for Cardiomyopathy. Last evaluated: 2021-12-17. Review status: criteria provided, single submitter. Criteria: ACMG Guidelines, 2015. Collection method: clinical testing. Allele origin: germline.

Baylor Genetics
Classification: Uncertain significance for Autosomal recessive limb-girdle muscular dystrophy type 2J. Last evaluated: 2020-10-26. Review status: criteria provided, single submitter. Criteria: ACMG Guidelines, 2015. Collection method: clinical testing. Allele origin: unknown. Affected: yes.
Comment: This variant was determined to be of uncertain significance according to ACMG Guidelines, 2015 [PMID:25741868].

NM_001267550.2(TTN):c.24196G>A (p.Asp8066Asn)

Gene: TTN (titin; minus strand). Cytogenetic location: 2q31.2.
Variant type: single nucleotide variant.
Coding change: c.24196G>A on transcript NM_001267550.2 (MANE Select); coding-DNA position 24196, G replaced by A.
Protein change: p.Asp8066Asn; replaces aspartic acid 8066 with asparagine.
Molecular consequence: missense variant. On other transcripts: intron variant (3).
Genome position (GRCh38, 1-based): chr2:178,719,194, C>T on the plus strand (G>A on the coding strand, the complement: TTN is on the minus strand). VCF-style: chr2-178719194-C-T. GRCh37 (hg19) VCF-style: chr2-179583921-C-T.
Other names: c.23245G>A, p.Asp7749Asn (NM_001256850.1); c.20464G>A, p.Asp6822Asn (NM_133378.4); c.13282+18888G>A (NM_003319.4); c.13858+18888G>A (NM_133437.4); c.13657+18888G>A (NM_133432.3); short protein forms D7749N, D6822N, D8066N.
Identifiers: ClinVar variation 1030136 (VCV001030136.5), dbSNP rs755202091, ClinGen allele CA2000485.